The following is an entry in ClinVar:

NM_004385.5(VCAN):c.10159T>C (p.Trp3387Arg)

Gene: VCAN (versican; plus strand). Cytogenetic location: 5q14.3.
Variant type: single nucleotide variant.
Coding change: c.10159T>C on transcript NM_004385.5 (MANE Select); coding-DNA position 10159, T replaced by C.
Protein change: p.Trp3387Arg; replaces tryptophan 3387 with arginine.
Molecular consequence: missense variant.
Genome position (GRCh38, 1-based): chr5:83,580,402, T>C. VCF-style: chr5-83580402-T-C. GRCh37 (hg19) VCF-style: chr5-82876221-T-C.
Other names: c.1936T>C, p.Trp646Arg (NM_001126336.3); c.7198T>C, p.Trp2400Arg (NM_001164097.2); c.4897T>C, p.Trp1633Arg (NM_001164098.2); short protein forms W3387R, W1633R, W2400R, W646R.
Identifiers: ClinVar variation 1900534 (VCV001900534.5), dbSNP rs562215290, ClinGen allele CA3334178.

ClinVar aggregate classification (germline): Uncertain significance (1 of 4 stars; one submission).

Allele frequency attached by ClinVar (database versions not stated): TOPMed below 0.00001; ExAC 0.00001; gnomAD 0.00001; 1000 Genomes Project 0.00020; 1000 Genomes Project 30x 0.00031.
gnomAD v4.1: 6 of 1,613,920 alleles (0.00037%); highest among the groups gnomAD compares: African/African-American, 0.004%; no homozygotes.

Submission:

Labcorp Genetics (formerly Invitae), Labcorp
Classification: Uncertain significance. Last evaluated: 2024-08-12. Review status: criteria provided, single submitter. Criteria: Invitae Variant Classification Sherloc (09022015). Collection method: clinical testing. Allele origin: germline.
Comment: This sequence change replaces tryptophan, which is neutral and slightly polar, with arginine, which is basic and polar, at codon 3387 of the VCAN protein (p.Trp3387Arg). This variant is present in population databases (rs562215290, gnomAD 0.02%). This variant has not been reported in the literature in individuals affected with VCAN-related conditions. ClinVar contains an entry for this variant (Variation ID: 1900534). An algorithm developed to predict the effect of missense changes on protein structure and function (PolyPhen-2) suggests that this variant is likely to be disruptive. In summary, the available evidence is currently insufficient to determine the role of this variant in disease. Therefore, it has been classified as a Variant of Uncertain Significance.